The following is an entry in ClinVar:

NM_004170.6(SLC1A1):c.*1361T>C

Gene: SLC1A1 (solute carrier family 1 member 1; plus strand). Cytogenetic location: 9p24.2.
Variant type: single nucleotide variant.
Coding change: c.*1361T>C on transcript NM_004170.6 (MANE Select); 1361 bases downstream of the stop codon, T replaced by C.
Molecular consequence: 3 prime UTR variant.
Genome position (GRCh38, 1-based): chr9:4,586,919, T>C. VCF-style: chr9-4586919-T-C. GRCh37 (hg19) VCF-style: chr9-4586919-T-C.
Identifiers: ClinVar variation 367086 (VCV000367086.5), dbSNP rs1051825, ClinGen allele CA10627445.

ClinVar aggregate classification (germline): Benign (1 of 4 stars; one submission).

Conditions:
Dicarboxylic aminoaciduria (DCBXA). Also called: GLUTAMATE-ASPARTATE TRANSPORT DEFECT. Identifiers: Orphanet 2195, MedGen C1857253, MONDO:0009110, OMIM 222730.

Allele frequency attached by ClinVar (database versions not stated): gnomAD 0.02972 and 0.03183; 1000 Genomes Project 0.03235; TOPMed 0.03244; 1000 Genomes Project 30x 0.03467.

Submission:

Illumina Laboratory Services, Illumina
Classification: Benign for Dicarboxylic aminoaciduria. Last evaluated: 2018-01-13. Review status: criteria provided, single submitter. Criteria: ICSL Variant Classification Criteria 13 December 2019. Collection method: clinical testing. Allele origin: germline.
Comment: This variant was observed in the ICSL laboratory as part of a predisposition screen in an ostensibly healthy population. It had not been previously curated by ICSL or reported in the Human Gene Mutation Database (HGMD: prior to June 1st, 2018), and was therefore a candidate for classification through an automated scoring system. Utilizing variant allele frequency, disease prevalence and penetrance estimates, and inheritance mode, an automated score was calculated to assess if this variant is too frequent to cause the disease. Based on the score and internal cut-off values, a variant classified as benign is not then subjected to further curation. The score for this variant resulted in a classification of benign for this disease.